The following is an entry in ClinVar:

ClinVar aggregate classification (germline): Uncertain significance (1 of 4 stars; one submission).

Submission:

Ambry Genetics
Classification: Uncertain significance. Last evaluated: 2021-10-17. Review status: criteria provided, single submitter. Criteria: Ambry Variant Classification Scheme 2023. Collection method: clinical testing. Allele origin: germline.
Comment: The p.L271I variant (also known as c.811C>A), located in coding exon 8 of the RAD54L gene, results from a C to A substitution at nucleotide position 811. The leucine at codon 271 is replaced by isoleucine, an amino acid with highly similar properties. This amino acid position is conserved. In addition, the in silico prediction for this alteration is inconclusive. Since supporting evidence is limited at this time, the clinical significance of this alteration remains unclear.

NM_003579.4(RAD54L):c.811C>A (p.Leu271Ile)

Gene: RAD54L (RAD54 like; plus strand). Cytogenetic location: 1p34.1.
Variant type: single nucleotide variant.
Coding change: c.811C>A on transcript NM_003579.4 (MANE Select); coding-DNA position 811, C replaced by A.
Protein change: p.Leu271Ile; replaces leucine 271 with isoleucine.
Molecular consequence: missense variant.
Genome position (GRCh38, 1-based): chr1:46,261,305, C>A. VCF-style: chr1-46261305-C-A. GRCh37 (hg19) VCF-style: chr1-46726977-C-A.
Other names: c.811C>A, p.Leu271Ile (NM_001142548.2); c.271C>A, p.Leu91Ile (NM_001370766.1); short protein forms L271I, L91I.
Identifiers: ClinVar variation 1762070 (VCV001762070.2), dbSNP rs2148289264, ClinGen allele CA340188811.